The following is an entry in ClinVar:

NM_021729.6(VPS11):c.1725C>T (p.Leu575=)

Gene: VPS11 (VPS11 core subunit of CORVET and HOPS complexes; plus strand). Cytogenetic location: 11q23.3.
Variant type: single nucleotide variant.
Coding change: c.1725C>T on transcript NM_021729.6 (MANE Select); coding-DNA position 1725, C replaced by T.
Protein change: p.Leu575=; no amino-acid change (leucine 575 retained).
Molecular consequence: synonymous variant. On other transcripts: non-coding transcript variant (8).
Genome position (GRCh38, 1-based): chr11:119,078,030, C>T. VCF-style: chr11-119078030-C-T. GRCh37 (hg19) VCF-style: chr11-118948740-C-T.
Other names: c.1695C>T, p.Leu565= (NM_001290185.2); c.1737C>T, p.Leu579= (NM_001378218.1, NM_001378219.1); c.1710C>T, p.Leu570= (NM_001378220.1); c.1707C>T, p.Leu569= (NM_001378221.1).
Identifiers: ClinVar variation 1636368 (VCV001636368.32), dbSNP rs782324655, ClinGen allele CA6313496.

ClinVar aggregate classification (germline): Likely benign. Review status: criteria provided, multiple submitters, no conflicts (2 of 4 stars). 2 submissions from 2 submitters: Likely benign (2). Last evaluated 2024-01-31.

Allele frequency attached by ClinVar (database versions not stated): gnomAD 0.00001 and 0.00002; TOPMed 0.00002.
gnomAD v4.1: 35 of 1,612,474 alleles (0.0022%); highest among the groups gnomAD compares: Middle Eastern, 0.016%; no homozygotes.

Submissions (2):

Labcorp Genetics (formerly Invitae), Labcorp
Classification: Likely benign. Last evaluated: 2024-01-31. Review status: criteria provided, single submitter. Criteria: Invitae Variant Classification Sherloc (09022015). Collection method: clinical testing. Allele origin: germline.

CeGaT Center for Human Genetics Tuebingen
Classification: Likely benign. Last evaluated: 2023-05-01. Review status: criteria provided, single submitter. Criteria: CeGaT Center For Human Genetics Tuebingen Variant Classification Criteria Version 2. Collection method: clinical testing. Allele origin: germline. Affected: yes. Observed: 1 variant allele.
Comment: VPS11: BP4, BP7